The following is an entry in ClinVar:

ClinVar aggregate classification (germline): Likely benign (1 of 4 stars; one submission).

Conditions:
RAI1-related disorder. Also called: RAI1-related condition.

Submission:

PreventionGenetics, part of Exact Sciences
Classification: Likely benign for RAI1-related condition. Last evaluated: 2026-04-11. Review status: criteria provided, single submitter. Criteria: ACMG Guidelines, 2015. Collection method: clinical testing. Allele origin: germline.
Comment: This variant is classified as likely benign based on ACMG/AMP sequence variant interpretation guidelines (Richards et al. 2015 PMID: 25741868, with internal and published modifications).

NM_030665.4(RAI1):c.777G>T (p.Pro259=)

Gene: RAI1 (retinoic acid induced 1; plus strand). Cytogenetic location: 17p11.2.
Variant type: single nucleotide variant.
Coding change: c.777G>T on transcript NM_030665.4 (MANE Select); coding-DNA position 777, G replaced by T.
Protein change: p.Pro259=; no amino-acid change (proline 259 retained).
Molecular consequence: synonymous variant.
Genome position (GRCh38, 1-based): chr17:17,793,725, G>T. VCF-style: chr17-17793725-G-T. GRCh37 (hg19) VCF-style: chr17-17697039-G-T.
Identifiers: ClinVar variation 4993275 (VCV004993275.1).